The following is an entry in ClinVar:

ClinVar aggregate classification (germline): Conflicting classifications of pathogenicity. Review status: criteria provided, conflicting classifications (1 of 4 stars). 2 submissions from 2 submitters: Pathogenic (1); Uncertain significance (1). Last evaluated 2023-08-28.

Conditions:
RASopathy. Also called: Noonan spectrum disorder; rasopathies. Identifiers: Orphanet 536391, MedGen C5555857, MONDO:0021060.

Submissions (2):

Labcorp Genetics (formerly Invitae), Labcorp
Classification: Uncertain significance for RASopathy. Last evaluated: 2023-08-28. Review status: criteria provided, single submitter. Criteria: Invitae Variant Classification Sherloc (09022015). Collection method: clinical testing. Allele origin: germline.
Comment: In summary, the available evidence is currently insufficient to determine the role of this variant in disease. Therefore, it has been classified as a Variant of Uncertain Significance. This variant disrupts the p.Thr468 amino acid residue in PTPN11. Other variant(s) that disrupt this residue have been determined to be pathogenic (PMID: 12058348, 17927788, 21910245, 22555271, 22585553, 23813970, 24767283, 25917897). This suggests that this residue is clinically significant, and that variants that disrupt this residue are likely to be disease-causing. An algorithm developed to predict the effect of missense changes on protein structure and function (PolyPhen-2) suggests that this variant is likely to be disruptive. ClinVar contains an entry for this variant (Variation ID: 265663). This variant has not been reported in the literature in individuals affected with PTPN11-related conditions. Information on the frequency of this variant in the gnomAD database is not available, as this variant may be reported differently in the database. This sequence change replaces threonine, which is neutral and polar, with glutamic acid, which is acidic and polar, at codon 468 of the PTPN11 protein (p.Thr468Glu).

GeneDx
Classification: Pathogenic. Last evaluated: 2016-08-15. Review status: criteria provided, single submitter. Criteria: GeneDx Variant Classification (06012015). Collection method: clinical testing. Allele origin: germline. Affected: yes.
Comment: The c.1402_1403delACinsGA variant has not been published as a pathogenic variant, nor has it been reported as a benign variant to our knowledge. The variant results in a missense change, replacing Threonine 468 with a Glutamic acid (T468E). The c.1402_1403delACinsGA variant was not observed in approximately 6,500 individuals of European and African American ancestry in the NHLBI Exome Sequencing Project, indicating it is not a common benign variant in these populations. The variant is a semi-conservative amino acid substitution, which may impact secondary protein structure as these residues differ in some properties. This substitution occurs at a position within the tyrosine-phosphatase domain that is conserved across species; additionally, T468 is known to be a critical residue in the active site of this domain (Digilio et al., 2002; Martinelli et al., 2008). In silico analysis predicts this variant is probably damaging to the protein structure/function. Missense variants in the same residue (T468P/M) and in a nearby residue (G464A) have been reported in the Human Gene Mutation Database in association with PTPN11-related disorders (Stenson et al., 2014), supporting the functional importance of this region of the protein. Therefore, we consider this variant to be pathogenic.

Literature cited by the submitters: PubMed 12058348 (cited by Labcorp Genetics (formerly Invitae), Labcorp); PubMed 17927788 (cited by Labcorp Genetics (formerly Invitae), Labcorp); PubMed 21910245 (cited by Labcorp Genetics (formerly Invitae), Labcorp); PubMed 22555271 (cited by Labcorp Genetics (formerly Invitae), Labcorp); PubMed 22585553 (cited by Labcorp Genetics (formerly Invitae), Labcorp); PubMed 23813970 (cited by Labcorp Genetics (formerly Invitae), Labcorp); PubMed 24767283 (cited by Labcorp Genetics (formerly Invitae), Labcorp); PubMed 25917897 (cited by Labcorp Genetics (formerly Invitae), Labcorp).

NM_002834.5(PTPN11):c.1402_1403delinsGA (p.Thr468Glu)

Gene: PTPN11 (protein tyrosine phosphatase non-receptor type 11; plus strand). Cytogenetic location: 12q24.13.
Variant type: Indel.
Coding change: c.1402_1403delinsGA on transcript NM_002834.5 (MANE Select); coding-DNA positions 1402 to 1403, AC replaced by GA.
Protein change: p.Thr468Glu; replaces threonine 468 with glutamic acid.
Molecular consequence: missense variant.
Genome position (GRCh38, 1-based): chr12:112,488,465-112,488,466, AC replaced by GA. VCF-style: chr12-112488465-AC-GA. GRCh37 (hg19) VCF-style: chr12-112926269-AC-GA.
Other names: c.1414_1415delinsGA, p.Thr472Glu (NM_001330437.2); c.1399_1400delinsGA, p.Thr467Glu (NM_001374625.1); short protein forms T468E, T472E, T467E.
Identifiers: ClinVar variation 265663 (VCV000265663.5), dbSNP rs886039711, ClinGen allele CA10588539.